The following is an entry in ClinVar:

ClinVar aggregate classification (germline): Benign (1 of 4 stars; one submission).

Allele frequency attached by ClinVar (database versions not stated): 1000 Genomes Project 30x 0.45112; 1000 Genomes Project 0.45208; gnomAD 0.45944 and 0.46271; TOPMed 0.46565; gnomAD exomes 0.49765.
gnomAD v4.1: 381,060 of 776,296 alleles (49%); highest among the groups gnomAD compares: Admixed American, 64%; 96,102 homozygotes.

Submission:

GeneDx
Classification: Benign. Last evaluated: 2018-06-14. Review status: criteria provided, single submitter. Criteria: GeneDx Variant Classification (06012015). Collection method: clinical testing. Allele origin: germline. Affected: yes.
Comment: This variant is considered likely benign or benign based on one or more of the following criteria: it is a conservative change, it occurs at a poorly conserved position in the protein, it is predicted to be benign by multiple in silico algorithms, and/or has population frequency not consistent with disease.

NM_006846.4(SPINK5):c.882+122G>A

Gene: SPINK5 (serine peptidase inhibitor Kazal type 5; plus strand). Cytogenetic location: 5q32.
Variant type: single nucleotide variant.
Coding change: c.882+122G>A on transcript NM_006846.4 (MANE Select); 122 bases into the intron after coding-DNA position 882, G replaced by A.
Molecular consequence: intron variant.
Genome position (GRCh38, 1-based): chr5:148,096,027, G>A. VCF-style: chr5-148096027-G-A. GRCh37 (hg19) VCF-style: chr5-147475590-G-A.
Other names: c.882+122G>A (NM_001127698.2, NM_001127699.2).
Identifiers: ClinVar variation 673295 (VCV000673295.1), dbSNP rs11948406, ClinGen allele CA11984304.